The following is an entry in ClinVar:

NM_000203.5(IDUA):c.848T>C (p.Ile283Thr)

Gene: IDUA (alpha-L-iduronidase; plus strand). Cytogenetic location: 4p16.3.
Variant type: single nucleotide variant.
Coding change: c.848T>C on transcript NM_000203.5 (MANE Select); coding-DNA position 848, T replaced by C.
Protein change: p.Ile283Thr; replaces isoleucine 283 with threonine.
Molecular consequence: missense variant. On other transcripts: non-coding transcript variant (1).
Genome position (GRCh38, 1-based): chr4:1,002,037, T>C. VCF-style: chr4-1002037-T-C. GRCh37 (hg19) VCF-style: chr4-995825-T-C.
Other names: c.452T>C, p.Ile151Thr (NM_001363576.1); short protein forms I151T, I283T.
Identifiers: ClinVar variation 1313596 (VCV001313596.4), dbSNP rs555091763, ClinGen allele CA2802109.

ClinVar aggregate classification (germline): Uncertain significance. Review status: criteria provided, multiple submitters, no conflicts (2 of 4 stars). 2 submissions from 2 submitters: Uncertain significance (2). Last evaluated 2022-12-20.

Allele frequency attached by ClinVar (database versions not stated): gnomAD 0.00001; gnomAD exomes 0.00002 and 0.00004; ExAC 0.00010; 1000 Genomes Project 30x 0.00016; 1000 Genomes Project 0.00020.
gnomAD v4.1: 26 of 1,598,496 alleles (0.0016%); highest among the groups gnomAD compares: South Asian, 0.028%; no homozygotes.

Submissions (2):

Revvity Omics, Revvity
Classification: Uncertain significance. Last evaluated: 2022-12-20. Review status: criteria provided, single submitter. Criteria: ACMG Guidelines, 2015. Collection method: clinical testing. Allele origin: germline.

GeneDx
Classification: Uncertain significance. Last evaluated: 2020-10-19. Review status: criteria provided, single submitter. Criteria: GeneDx Variant Classification Process June 2021. Collection method: clinical testing. Allele origin: germline. Affected: yes.
Comment: Has not been previously published as pathogenic or benign to our knowledge; In silico analysis supports that this missense variant has a deleterious effect on protein structure/function; This variant is associated with the following publications: (PMID: 28676128)